The following is an entry in ClinVar:

ClinVar aggregate classification (germline): Conflicting classifications of pathogenicity. Review status: criteria provided, conflicting classifications (1 of 4 stars). 2 submissions from 2 submitters: Uncertain significance (1); Likely benign (1). Last evaluated 2025-10-11.

Conditions:
Developmental and epileptic encephalopathy, 1 (DEE1). Also called: INFANTILE SPASM SYNDROME, X-LINKED 1; X-Linked Infantile Spasm Syndrome; X-linked infantile spasms; West's syndrome; Tonic spasms with clustering, arrest of psychomotor development and hypsarrhythmia on EEG; OHTAHARA SYNDROME, X-LINKED. Identifiers: MedGen C3463992, MONDO:0010632, OMIM 308350. Disease mechanism: loss of function.
Intellectual disability, X-linked, with or without seizures, ARX-related. Also called: MENTAL RETARDATION, X-LINKED 29; MENTAL RETARDATION, X-LINKED 32; MENTAL RETARDATION, X-LINKED 33; MENTAL RETARDATION, X-LINKED 38; MENTAL RETARDATION, X-LINKED 43; MENTAL RETARDATION, X-LINKED 76. Identifiers: Orphanet 777, MedGen C0796244, MONDO:0010317, OMIM 300419.

Submissions (2):

GeneDx
Classification: Uncertain significance. Last evaluated: 2025-10-11. Review status: criteria provided, single submitter. Criteria: GeneDx Variant Classification Process June 2021. Collection method: clinical testing. Allele origin: germline.
Comment: In-frame deletion of 4 amino acidsin a non-repeat region predicted to critically alter the protein; In silico analysis supports a deleterious effect on protein structure/function; Has not been previously published as pathogenic or benign to our knowledge; This variant is associated with the following publications: (PMID: 20300201)

Labcorp Genetics (formerly Invitae), Labcorp
Classification: Likely benign for Developmental and epileptic encephalopathy, 1; Intellectual disability, X-linked, with or without seizures, ARX-related. Last evaluated: 2024-04-08. Review status: criteria provided, single submitter. Criteria: Invitae Variant Classification Sherloc (09022015). Collection method: clinical testing. Allele origin: germline.

NM_139058.3(ARX):c.1299_1310del (p.Ala437_Ala440del)

Gene: ARX (aristaless related homeobox; minus strand). Cytogenetic location: Xp21.3.
Variant type: Deletion.
Coding change: c.1299_1310del on transcript NM_139058.3 (MANE Select); coding-DNA positions 1299 to 1310, 12 bases deleted (TGCCGCCGCCGC).
Protein change: p.Ala437_Ala440del.
Molecular consequence: inframe deletion.
Genome position (GRCh38, 1-based): chrX:25,007,249-25,007,260, GCGGCGGCGGCA deleted on the plus strand (TGCCGCCGCCGC on the coding strand, the reverse complement: ARX is on the minus strand); deleting any 12 consecutive bases within chrX:25,007,249-25,007,265 gives the same sequence; the c. name uses the placement nearest the transcript's 3' end. VCF-style (leftmost placement, unchanged base first): chrX-25007248-GGCGGCGGCGGCA-G. GRCh37 (hg19) VCF-style: chrX-25025365-GGCGGCGGCGGCA-G.
Other names: c.1299_1310del (NM_139058.2).
Identifiers: ClinVar variation 1506607 (VCV001506607.8), dbSNP rs776061068, ClinGen allele CA10373818.